The following is an entry in ClinVar:

NM_002880.4(RAF1):c.122G>T (p.Arg41Leu)

Gene: RAF1 (Raf-1 proto-oncogene, serine/threonine kinase; minus strand). Cytogenetic location: 3p25.2.
Variant type: single nucleotide variant.
Coding change: c.122G>T on transcript NM_002880.4 (MANE Select); coding-DNA position 122, G replaced by T.
Protein change: p.Arg41Leu; replaces arginine 41 with leucine.
Molecular consequence: missense variant. On other transcripts: 5 prime UTR variant (4), non-coding transcript variant (3).
Genome position (GRCh38, 1-based): chr3:12,618,600, C>A on the plus strand (G>T on the coding strand, the complement: RAF1 is on the minus strand). VCF-style: chr3-12618600-C-A. GRCh37 (hg19) VCF-style: chr3-12660099-C-A.
Other names: c.122G>T, p.Arg41Leu (NM_001354689.3, NM_001354690.3, NM_001354693.3); c.-9G>T (NM_001354691.3, NM_001354692.3, NM_001354694.3 and 1 more transcripts); short protein forms R41L.
Identifiers: ClinVar variation 279925 (VCV000279925.13), dbSNP rs145611571, ClinGen allele CA2259834.

ClinVar aggregate classification (germline): Conflicting classifications of pathogenicity. Review status: criteria provided, conflicting classifications (1 of 4 stars). 4 submissions from 4 submitters: Uncertain significance (3); Likely benign (1). Last evaluated 2026-03-10.

Conditions:
RASopathy. Also called: Noonan spectrum disorder; rasopathies. Identifiers: Orphanet 536391, MedGen C5555857, MONDO:0021060.
Cardiovascular phenotype. Identifiers: MedGen CN230736.

Allele frequency attached by ClinVar (database versions not stated): TOPMed 0.00001.
gnomAD v4.1: 14 of 1,613,992 alleles (0.00087%); highest among the groups gnomAD compares: Non-Finnish European, 0.0012%; no homozygotes.

Submissions (4):

Ambry Genetics
Classification: Uncertain significance for Cardiovascular phenotype. Last evaluated: 2026-03-10. Review status: criteria provided, single submitter. Criteria: Ambry Variant Classification Scheme 2023. Collection method: clinical testing. Allele origin: germline.
Comment: The p.R41L variant (also known as c.122G>T), located in coding exon 1 of the RAF1 gene, results from a G to T substitution at nucleotide position 122. The arginine at codon 41 is replaced by leucine, an amino acid with dissimilar properties. This amino acid position is highly conserved in available vertebrate species. In addition, this alteration is predicted to be deleterious by in silico analysis. Based on the available evidence, the clinical significance of this variant remains unclear.

Women's Health and Genetics/Laboratory Corporation of America, LabCorp
Classification: Uncertain significance. Last evaluated: 2026-03-06. Review status: criteria provided, single submitter. Criteria: LabCorp Variant Classification Summary - May 2015. Collection method: clinical testing. Allele origin: germline.
Comment: Variant summary: RAF1 c.122G>T (p.Arg41Leu) results in a non-conservative amino acid change in the encoded protein sequence. Algorithms developed to predict the effect of missense changes on protein structure and function are either unavailable or do not agree on the potential impact of this missense change. The variant allele was found at a frequency of 8.7e-06 in 1613992 control chromosomes, predominantly at a frequency of 1.2e-05 within the Non-Finnish European subpopulation in the gnomAD database. This frequency is not significantly higher than estimated for disease-causing variants in RAF1, allowing no conclusion about variant significance. c.122G>T has been observed in one individual affected with Congenital heart disease (Sierant_2025). The report does not provide unequivocal conclusions about association of the variant with Noonan Syndrome And Related Conditions. To our knowledge, no experimental evidence demonstrating an impact on protein function has been reported. The following publication have been ascertained in the context of this evaluation (PMID: 40127276). ClinVar contains an entry for this variant (Variation ID: 279925). Based on the evidence outlined above, the variant was classified as uncertain significance.

Labcorp Genetics (formerly Invitae), Labcorp
Classification: Likely benign for RASopathy. Last evaluated: 2025-12-03. Review status: criteria provided, single submitter. Criteria: Invitae Variant Classification Sherloc (09022015). Collection method: clinical testing. Allele origin: germline.

GeneDx
Classification: Uncertain significance. Last evaluated: 2016-10-03. Review status: criteria provided, single submitter. Criteria: GeneDx Variant Classification (06012015). Collection method: clinical testing. Allele origin: germline. Affected: yes.
Comment: The R41L variant has not been published as a pathogenic variant, nor has it been reported as a benign variant to our knowledge. The R41L variant was not observed in approximately 6,500 individuals of European and African American ancestry in the NHLBI Exome Sequencing Project, indicating it is not a common benign variant in these populations. The R41L variant is a non-conservative amino acid substitution, which is likely to impact secondary protein structure as these residues differ in polarity, charge, size and/or other properties. This substitution occurs at a position that is conserved across species. However, in silico analysis is inconsistent in its predictions as to whether or not the variant is damaging to the protein structure/function. Therefore, based on the currently available information, it is unclear whether this variant is pathogenic or rare benign.

Literature cited by the submitters: PubMed 40127276 (cited by Women's Health and Genetics/Laboratory Corporation of America, LabCorp).